The following is an entry in ClinVar:

NM_022489.4(INF2):c.3674G>A (p.Arg1225His)

Gene: INF2 (inverted formin 2; plus strand). Cytogenetic location: 14q32.33.
Variant type: single nucleotide variant.
Coding change: c.3674G>A on transcript NM_022489.4 (MANE Select); coding-DNA position 3674, G replaced by A.
Protein change: p.Arg1225His; replaces arginine 1225 with histidine.
Molecular consequence: missense variant.
Genome position (GRCh38, 1-based): chr14:104,714,836, G>A. VCF-style: chr14-104714836-G-A. GRCh37 (hg19) VCF-style: chr14-105181173-G-A.
Other names: c.3674G>A, p.Arg1225His (NM_001031714.4); short protein forms R1225H.
Identifiers: ClinVar variation 1733821 (VCV001733821.8), dbSNP rs571301599, ClinGen allele CA7373342.

ClinVar aggregate classification (germline): Conflicting classifications of pathogenicity. Review status: criteria provided, conflicting classifications (1 of 4 stars). 3 submissions from 3 submitters: Uncertain significance (2); Likely benign (1). Last evaluated 2026-07-02.

Conditions:
INF2-related disorder. Also called: INF2-related condition.
Inborn genetic diseases. Identifiers: MedGen C0950123, MeSH D030342.
Focal segmental glomerulosclerosis 5 (FSGS5). Identifiers: Orphanet 656, MedGen C2750475, MONDO:0013191, OMIM 613237.
Charcot-Marie-Tooth disease dominant intermediate E. Also called: CHARCOT-MARIE-TOOTH NEUROPATHY WITH FOCAL SEGMENTAL GLOMERULONEPHRITIS. Identifiers: Orphanet 93114, MedGen C4302667, MONDO:0013758, OMIM 614455.

Allele frequency attached by ClinVar (database versions not stated): 1000 Genomes Project 30x 0.00016; 1000 Genomes Project 0.00020; TOPMed 0.00001; gnomAD 0.00004; ExAC 0.00007.
gnomAD v4.1: 51 of 1,587,126 alleles (0.0032%); highest among the groups gnomAD compares: East Asian, 0.0068%; no homozygotes.

Submissions (3):

PreventionGenetics, part of Exact Sciences
Classification: Uncertain significance for INF2-related condition. Last evaluated: 2026-07-02. Review status: criteria provided, single submitter. Criteria: ACMG Guidelines, 2015. Collection method: clinical testing. Allele origin: germline.
Comment: The INF2 c.3674G>A variant is predicted to result in the amino acid substitution p.Arg1225His. To our knowledge, this variant has not been reported in the literature. This variant is reported in 0.0051% of alleles in individuals of African descent in gnomAD. At this time, the clinical significance of this variant is uncertain due to the absence of conclusive functional and genetic evidence.

Labcorp Genetics (formerly Invitae), Labcorp
Classification: Likely benign for Charcot-Marie-Tooth disease dominant intermediate E; Focal segmental glomerulosclerosis 5. Last evaluated: 2024-09-27. Review status: criteria provided, single submitter. Criteria: Invitae Variant Classification Sherloc (09022015). Collection method: clinical testing. Allele origin: germline.

Ambry Genetics
Classification: Uncertain significance for Inborn genetic diseases. Last evaluated: 2019-08-30. Review status: criteria provided, single submitter. Criteria: Ambry Variant Classification Scheme 2023. Collection method: clinical testing. Allele origin: germline.
Comment: The p.R1225H variant (also known as c.3674G>A), located in coding exon 20 of the INF2 gene, results from a G to A substitution at nucleotide position 3674. The arginine at codon 1225 is replaced by histidine, an amino acid with highly similar properties. This amino acid position is well conserved in available vertebrate species. In addition, this alteration is predicted to be tolerated by in silico analysis. Since supporting evidence is limited at this time, the clinical significance of this alteration remains unclear.